The following is an entry in ClinVar:

NM_000264.5(PTCH1):c.817_820delinsGAT (p.Tyr273fs)

Gene: PTCH1 (patched 1; minus strand). Cytogenetic location: 9q22.32.
Variant type: Indel.
Coding change: c.817_820delinsGAT on transcript NM_000264.5 (MANE Select); coding-DNA positions 817 to 820, TATC replaced by GAT.
Protein change: p.Tyr273fs; shifts the reading frame from tyrosine 273.
Molecular consequence: frameshift variant. On other transcripts: non-coding transcript variant (1).
Genome position (GRCh38, 1-based): chr9:95,480,515-95,480,518, GATA replaced by ATC on the plus strand (TATC replaced by GAT on the coding strand, the reverse complement: PTCH1 is on the minus strand). VCF-style: chr9-95480515-GATA-ATC. GRCh37 (hg19) VCF-style: chr9-98242797-GATA-ATC.
Other names: c.619_622delinsGAT, p.Tyr207fs (NM_001083602.3); c.814_817delinsGAT, p.Tyr272fs (NM_001083603.3); c.364_367delinsGAT, p.Tyr122fs (NM_001083604.3, NM_001083605.3, NM_001083606.3 and 1 more transcripts); c.817_820delinsGAT, p.Tyr273fs (NM_001354918.2); short protein forms Y207fs, Y272fs, Y122fs, Y273fs.
Identifiers: ClinVar variation 545751 (VCV000545751.2), dbSNP rs1554699969, ClinGen allele CA658822555.

ClinVar aggregate classification (germline): Pathogenic (1 of 4 stars; one submission).

Submission:

GeneDx
Classification: Pathogenic. Last evaluated: 2017-03-20. Review status: criteria provided, single submitter. Criteria: GeneDx Variant Classification (06012015). Collection method: clinical testing. Allele origin: germline. Affected: yes.
Comment: This combined deletion and insertion is denoted PTCH1 c.817_820delTATCinsGATat the cDNA level and p.Tyr273AspfsX10 (Y273DfsX10) at the protein level. The normal sequence, with the bases that are deleted in braces and inserted in brackets, is AAAC[delTATC][insGAT]AAGT. The variant causes a frameshift, which changes a Tyrosine to an Aspartic Acid at codon 273, and creates a premature stop codon at position 10 of the new reading frame. Although this variant has not, to our knowledge, been reported in the literature, it is predicted to cause loss of normal protein function through either protein truncation or nonsense-mediated mRNA decay. We consider this variant to be pathogenic.